The following is an entry in ClinVar:

ClinVar aggregate classification (germline): Pathogenic/Likely pathogenic. Review status: criteria provided, multiple submitters, no conflicts (2 of 4 stars). 3 submissions from 3 submitters: Pathogenic (2); Likely pathogenic (1). Last evaluated 2023-12-04.

Conditions:
Deficiency of alpha-mannosidase (MANSA). Also called: Mannosidosis, alpha-, types I and II; LYSOSOMAL ALPHA-D-MANNOSIDASE DEFICIENCY; Alpha-Mannosidosis. Identifiers: Orphanet 61, MedGen C0024748, MONDO:0009561, OMIM 248500.

Submissions (3):

Baylor Genetics
Classification: Likely pathogenic for Deficiency of alpha-mannosidase. Last evaluated: 2023-12-04. Review status: criteria provided, single submitter. Criteria: ACMG Guidelines, 2015. Collection method: clinical testing. Allele origin: unknown.

Genome-Nilou Lab
Classification: Pathogenic for Deficiency of alpha-mannosidase. Last evaluated: 2021-09-05. Review status: criteria provided, single submitter. Criteria: ACMG Guidelines, 2015. Collection method: clinical testing. Allele origin: germline. Affected: no.

Labcorp Genetics (formerly Invitae), Labcorp
Classification: Pathogenic for Deficiency of alpha-mannosidase. Last evaluated: 2020-07-14. Review status: criteria provided, single submitter. Criteria: Invitae Variant Classification Sherloc (09022015). Collection method: clinical testing. Allele origin: germline.
Comment: For these reasons, this variant has been classified as Pathogenic. Loss-of-function variants in MAN2B1 are known to be pathogenic (PMID: 9915946, 22161967). This variant has not been reported in the literature in individuals with MAN2B1-related conditions. This sequence change creates a premature translational stop signal (p.Arg805Metfs*13) in the MAN2B1 gene. It is expected to result in an absent or disrupted protein product. This variant is not present in population databases (ExAC no frequency).

Literature cited by the submitters: PubMed 9915946 (cited by Labcorp Genetics (formerly Invitae), Labcorp); PubMed 22161967 (cited by Labcorp Genetics (formerly Invitae), Labcorp).

NM_000528.4(MAN2B1):c.2414_2417del (p.Arg805fs)

Gene: MAN2B1 (mannosidase alpha class 2B member 1; minus strand). Cytogenetic location: 19p13.13.
Variant type: Microsatellite.
Coding change: c.2414_2417del on transcript NM_000528.4 (MANE Select); coding-DNA positions 2414 to 2417, 4 bases deleted (GAGA; older notation c.2414_2417delGAGA).
Protein change: p.Arg805fs; shifts the reading frame from arginine 805.
Molecular consequence: frameshift variant.
Genome position (GRCh38, 1-based): chr19:12,649,155-12,649,158, TCTC deleted on the plus strand (GAGA on the coding strand, the reverse complement: MAN2B1 is on the minus strand); deleting any 4 consecutive bases within chr19:12,649,155-12,649,160 gives the same sequence; the c. name uses the placement nearest the transcript's 3' end. VCF-style (leftmost placement, unchanged base first): chr19-12649154-ATCTC-A. GRCh37 (hg19) VCF-style: chr19-12759968-ATCTC-A.
Other names: c.2411_2414del, p.Arg804fs (NM_001173498.2); short protein forms R804fs, R805fs.
Identifiers: ClinVar variation 1073719 (VCV001073719.10), dbSNP rs1347035611, ClinGen allele CA631832606.